The following is an entry in ClinVar:

ClinVar aggregate classification (germline): Uncertain significance. Review status: criteria provided, multiple submitters, no conflicts (2 of 4 stars). 2 submissions from 2 submitters: Uncertain significance (2). Last evaluated 2024-01-15.

Conditions:
Alzheimer disease. Also called: Alzheimer's disease; Presenile and senile dementia. Identifiers: Orphanet 1020, MedGen C0002395, MeSH D000544, MONDO:0004975, HP:0002511.

Allele frequency attached by ClinVar (database versions not stated): gnomAD exomes 0.00001; gnomAD 0.00002; TOPMed 0.00003.
gnomAD v4.1: 20 of 1,613,786 alleles (0.0012%); highest among the groups gnomAD compares: African/African-American, 0.0053%; no homozygotes.

Submissions (2):

Labcorp Genetics (formerly Invitae), Labcorp
Classification: Uncertain significance for Alzheimer disease. Last evaluated: 2024-01-15. Review status: criteria provided, single submitter. Criteria: Invitae Variant Classification Sherloc (09022015). Collection method: clinical testing. Allele origin: germline.
Comment: This sequence change replaces glutamic acid, which is acidic and polar, with lysine, which is basic and polar, at codon 145 of the APP protein (p.Glu145Lys). This variant is present in population databases (rs201573490, gnomAD 0.01%). This missense change has been observed in individual(s) with early-onset Alzheimer’s disease (PMID: 31557888). ClinVar contains an entry for this variant (Variation ID: 2637615). Advanced modeling of protein sequence and biophysical properties (such as structural, functional, and spatial information, amino acid conservation, physicochemical variation, residue mobility, and thermodynamic stability) performed at Invitae indicates that this missense variant is not expected to disrupt APP protein function with a negative predictive value of 95%. In summary, the available evidence is currently insufficient to determine the role of this variant in disease. Therefore, it has been classified as a Variant of Uncertain Significance.

Women's Health and Genetics/Laboratory Corporation of America, LabCorp
Classification: Uncertain significance. Last evaluated: 2023-10-06. Review status: criteria provided, single submitter. Criteria: LabCorp Variant Classification Summary - May 2015. Collection method: clinical testing. Allele origin: germline.
Comment: Variant summary: APP c.433G>A (p.Glu145Lys) results in a conservative amino acid change located in the Amyloidogenic glycoprotein, copper-binding domain (IPR011178) of the encoded protein sequence. Four of five in-silico tools predict a benign effect of the variant on protein function. The variant was absent in 251470 control chromosomes (gnomAD). The available data on variant occurrences in the general population are insufficient to allow any conclusion about variant significance. c.433G>A has been reported in the literature in at least one individual affected with autosomal dominant forms of early-onset Alzheimers disease (Giau_2019). The report does not provide unequivocal conclusions about association of the variant with Alzheimer Disease. To our knowledge, no experimental evidence demonstrating an impact on protein function has been reported. The following publication have been ascertained in the context of this evaluation (PMID: 31557888). No submitters have cited clinical-significance assessments for this variant to ClinVar after 2014. Based on the evidence outlined above, the variant was classified as uncertain significance.

Literature cited by the submitters: PubMed 31557888 (cited by Labcorp Genetics (formerly Invitae), Labcorp and Women's Health and Genetics/Laboratory Corporation of America, LabCorp).

NM_000484.4(APP):c.433G>A (p.Glu145Lys)

Gene: APP (amyloid beta precursor protein; minus strand). Cytogenetic location: 21q21.3.
Variant type: single nucleotide variant.
Coding change: c.433G>A on transcript NM_000484.4 (MANE Select); coding-DNA position 433, G replaced by A.
Protein change: p.Glu145Lys; replaces glutamic acid 145 with lysine.
Molecular consequence: missense variant.
Genome position (GRCh38, 1-based): chr21:26,053,271, C>T on the plus strand (G>A on the coding strand, the complement: APP is on the minus strand). VCF-style: chr21-26053271-C-T. GRCh37 (hg19) VCF-style: chr21-27425587-C-T.
Other names: c.418G>A, p.Glu140Lys (NM_001136016.3); c.265G>A, p.Glu89Lys (NM_001136129.3, NM_001136130.3); c.328G>A, p.Glu110Lys (NM_001136131.3); c.433G>A, p.Glu145Lys (NM_001204301.2, NM_001204302.2, NM_001204303.2 and 3 more transcripts); short protein forms E110K, E140K, E145K, E89K.
Identifiers: ClinVar variation 2637615 (VCV002637615.4), dbSNP rs201573490, ClinGen allele CA319558398.